The following is an entry in ClinVar:

ClinVar aggregate classification (germline): Likely benign. Review status: criteria provided, multiple submitters, no conflicts (2 of 4 stars). 2 submissions from 2 submitters: Likely benign (2). Last evaluated 2026-08-04.

Conditions:
Hereditary pheochromocytoma and paraganglioma. Also called: Hereditary pheochromocytoma-paraganglioma; Hereditary paragangliomas and pheochromocytomas; Hereditary Paraganglioma-Pheochromocytoma Syndromes. Identifiers: Orphanet 29072, MedGen C4274332, MONDO:0017366.
Pheochromocytoma/paraganglioma syndrome 2. Also called: SDHAF2-Related Hereditary Paraganglioma-Pheochromocytoma Syndrome (Paragangliomas 2); SDHAF2-Related Hereditary Paraganglioma-Pheochromocytoma Syndrome; GLOMUS TUMORS, FAMILIAL, 2; Paragangliomas 2. Identifiers: Orphanet 29072, MedGen C1866552, MONDO:0011121, OMIM 601650.

Allele frequency attached by ClinVar (database versions not stated): gnomAD exomes below 0.00001.

Submissions (2):

Myriad Genetics, Inc.
Classification: Likely benign for Pheochromocytoma/paraganglioma syndrome 2. Last evaluated: 2026-08-04. Review status: criteria provided, single submitter. Criteria: Myriad Autosomal Dominant, Autosomal Recessive and X-Linked Classification Criteria (2023). Collection method: clinical testing. Allele origin: unknown.
Comment: This variant is considered likely benign. This variant is intronic and is not expected to impact mRNA splicing.

Labcorp Genetics (formerly Invitae), Labcorp
Classification: Likely benign for Hereditary pheochromocytoma and paraganglioma. Last evaluated: 2025-10-20. Review status: criteria provided, single submitter. Criteria: Invitae Variant Classification Sherloc (09022015). Collection method: clinical testing. Allele origin: germline.

NM_017841.4(SDHAF2):c.370+7G>C

Gene: SDHAF2 (succinate dehydrogenase complex assembly factor 2; plus strand). Cytogenetic location: 11q12.2.
Variant type: single nucleotide variant.
Coding change: c.370+7G>C on transcript NM_017841.4 (MANE Select); 7 bases into the intron after coding-DNA position 370, G replaced by C.
Molecular consequence: intron variant.
Genome position (GRCh38, 1-based): chr11:61,438,120, G>C. VCF-style: chr11-61438120-G-C. GRCh37 (hg19) VCF-style: chr11-61205592-G-C.
Identifiers: ClinVar variation 797804 (VCV000797804.11), dbSNP rs1590765180, ClinGen allele CA380684269.
Genomic context (GRCh38, chr11:61,438,120, plus strand): 5'-ACCGCCTGATTAACGAGCCTAGTAATGACTGGGATATTTACTACTGGGCCACAGGTACTG[G>C]GTATGATAAGCAGCATAATGTGAAAATAGGACAGTTTAGGCTGATTTGAGTCTAGAATTG-3'